The following is an entry in ClinVar:

ClinVar aggregate classification (germline): Benign/Likely benign. Review status: criteria provided, multiple submitters, no conflicts (2 of 4 stars). 4 submissions from 4 submitters: Benign (3); Likely benign (1). Last evaluated 2026-06-01.

Conditions:
FMN2-related disorder. Also called: FMN2-related condition.

gnomAD v4.1: 15,795 of 1,394,332 alleles (1.1%); highest among the groups gnomAD compares: East Asian, 1.2%; 427 homozygotes.

Submissions (4):

CeGaT Center for Human Genetics Tuebingen
Classification: Benign. Last evaluated: 2026-06-01. Review status: criteria provided, single submitter. Criteria: CeGaT Center For Human Genetics Tuebingen Variant Classification Criteria Version 2. Collection method: clinical testing. Allele origin: germline. Affected: yes. Observed: 4 variant alleles.
Comment: FMN2: BS1, BS2

PreventionGenetics, part of Exact Sciences
Classification: Likely benign for FMN2-related condition. Last evaluated: 2019-10-24. Review status: criteria provided, single submitter. Criteria: ACMG Guidelines, 2015. Collection method: clinical testing. Allele origin: germline.
Comment: This variant is classified as likely benign based on ACMG/AMP sequence variant interpretation guidelines (Richards et al. 2015 PMID: 25741868, with internal and published modifications).

Genomic Diagnostic Laboratory, Division of Genomic Diagnostics, Children's Hospital of Philadelphia
Classification: Benign. Last evaluated: 2015-11-19. Review status: criteria provided, single submitter. Criteria: DGD Variant Analysis Guidelines. Collection method: clinical testing. Allele origin: unknown.

Breakthrough Genomics
Classification: Benign. Review status: criteria provided, single submitter. Criteria: ACMG Guidelines, 2015. Collection method: not provided. Allele origin: germline. Inheritance: Autosomal recessive inheritance. Affected: yes.

NM_020066.5(FMN2):c.2840C>T (p.Pro947Leu)

Gene: FMN2 (formin 2; plus strand). Cytogenetic location: 1q43.
Variant type: single nucleotide variant.
Coding change: c.2840C>T on transcript NM_020066.5 (MANE Select); coding-DNA position 2840, C replaced by T.
Protein change: p.Pro947Leu; replaces proline 947 with leucine.
Molecular consequence: missense variant. On other transcripts: intron variant (1).
Genome position (GRCh38, 1-based): chr1:240,207,652, C>T. VCF-style: chr1-240207652-C-T. GRCh37 (hg19) VCF-style: chr1-240370952-C-T.
Other names: c.2852C>T, p.Pro951Leu (NM_001305424.2); c.1986+19390C>T (NM_001348094.2); short protein forms P951L, P947L.
Identifiers: ClinVar variation 218765 (VCV000218765.26), dbSNP rs201741828, ClinGen allele CA249011.